The following is an entry in ClinVar:

ClinVar aggregate classification (germline): Uncertain significance. Review status: criteria provided, multiple submitters, no conflicts (2 of 4 stars). 10 submissions from 10 submitters: Uncertain significance (10). Last evaluated 2025-10-02.

Conditions:
Inborn genetic diseases. Identifiers: MedGen C0950123, MeSH D030342.
DPAGT1-congenital disorder of glycosylation. Also called: CONGENITAL DISORDER OF GLYCOSYLATION, TYPE Ij; CDG Ij; DPAGT1-CDG. Identifiers: Orphanet 86309, MedGen C2931004, MONDO:0011964, OMIM 608093.
Congenital myasthenic syndrome 13 (CMS13). Also called: Myasthenic syndrome, congenital, with tubular aggregates 2; Myasthenic syndrome, congenital, 13, with tubular aggregates. Identifiers: Orphanet 353327, Orphanet 590, MedGen C3553645, MONDO:0013883, OMIM 614750.

Allele frequency attached by ClinVar (database versions not stated): ESP Exome Variant Server 0.00015; gnomAD exomes 0.00023 and 0.00053; ExAC 0.00025; gnomAD 0.00034; TOPMed 0.00034.

Submissions (10):

Mayo Clinic Laboratories, Mayo Clinic
Classification: Uncertain significance. Last evaluated: 2025-10-02. Review status: criteria provided, single submitter. Criteria: ACMG Guidelines, 2015. Collection method: clinical testing. Allele origin: germline. Observed: 1 variant allele.
Comment: BP4

Revvity Omics, Revvity
Classification: Uncertain significance. Last evaluated: 2025-05-09. Review status: criteria provided, single submitter. Criteria: ACMG Guidelines, 2015. Collection method: clinical testing. Allele origin: germline.

Ambry Genetics
Classification: Uncertain significance for Inborn genetic diseases. Last evaluated: 2023-05-24. Review status: criteria provided, single submitter. Criteria: Ambry Variant Classification Scheme 2023. Collection method: clinical testing. Allele origin: germline.

Labcorp Genetics (formerly Invitae), Labcorp
Classification: Uncertain significance for Congenital myasthenic syndrome 13; DPAGT1-congenital disorder of glycosylation. Last evaluated: 2022-08-23. Review status: criteria provided, single submitter. Criteria: Invitae Variant Classification Sherloc (09022015). Collection method: clinical testing. Allele origin: germline.
Comment: This sequence change replaces cysteine, which is neutral and slightly polar, with tyrosine, which is neutral and polar, at codon 42 of the DPAGT1 protein (p.Cys42Tyr). This variant is present in population databases (rs375679649, gnomAD 0.04%). This variant has not been reported in the literature in individuals affected with DPAGT1-related conditions. ClinVar contains an entry for this variant (Variation ID: 302751). Algorithms developed to predict the effect of missense changes on protein structure and function (SIFT, PolyPhen-2, Align-GVGD) all suggest that this variant is likely to be tolerated. In summary, the available evidence is currently insufficient to determine the role of this variant in disease. Therefore, it has been classified as a Variant of Uncertain Significance.

Fulgent Genetics
Classification: Uncertain significance for DPAGT1-congenital disorder of glycosylation; Congenital myasthenic syndrome 13. Last evaluated: 2021-10-14. Review status: criteria provided, single submitter. Criteria: ACMG Guidelines, 2015. Collection method: clinical testing. Allele origin: unknown.

Department of Pathology and Laboratory Medicine, Sinai Health System
Classification: Uncertain significance for DPAGT1-congenital disorder of glycosylation. Last evaluated: 2021-07-30. Review status: criteria provided, single submitter. Criteria: ACMG Guidelines, 2015. Collection method: research. Allele origin: germline.

Illumina Laboratory Services, Illumina
Classification: Uncertain significance for DPAGT1-congenital disorder of glycosylation. Last evaluated: 2018-01-13. Review status: criteria provided, single submitter. Criteria: ICSL Variant Classification Criteria 13 December 2019. Collection method: clinical testing. Allele origin: germline.

Center for Pediatric Genomic Medicine, Children's Mercy Hospital and Clinics
Classification: Uncertain significance. Last evaluated: 2016-09-22. Review status: criteria provided, single submitter. Criteria: ACMG Guidelines, 2015. Collection method: clinical testing. Allele origin: germline.
ClinVar note: Converted during submission from Uncertain Significance to Uncertain significance.

Athena Diagnostics
Classification: Uncertain significance. Last evaluated: 2016-09-07. Review status: criteria provided, single submitter. Criteria: Athena Diagnostics Criteria. Collection method: clinical testing. Allele origin: germline.

Breakthrough Genomics
Classification: Uncertain significance. Review status: criteria provided, single submitter. Criteria: ACMG Guidelines, 2015. Collection method: not provided. Allele origin: germline. Inheritance: Autosomal recessive inheritance. Affected: yes.

NM_001382.4(DPAGT1):c.125G>A (p.Cys42Tyr)

Genes: DPAGT1 (dolichyl-phosphate N-acetylglucosaminephosphotransferase 1; minus strand), LOC126861360 (BRD4-independent group 4 enhancer GRCh37_chr11:118972216-118973415; plus strand). Cytogenetic location: 11q23.3.
Variant type: single nucleotide variant.
Coding change: c.125G>A on transcript NM_001382.4 (MANE Select); coding-DNA position 125, G replaced by A.
Protein change: p.Cys42Tyr; replaces cysteine 42 with tyrosine.
Molecular consequence: missense variant.
Genome position (GRCh38, 1-based): chr11:119,101,531, C>T on the plus strand (G>A on the coding strand, the complement: DPAGT1 is on the minus strand). VCF-style: chr11-119101531-C-T. GRCh37 (hg19) VCF-style: chr11-118972241-C-T.
Other names: short protein forms C42Y.
Identifiers: ClinVar variation 302751 (VCV000302751.20), dbSNP rs375679649, ClinGen allele CA6314725.